The following is an entry in ClinVar:

NM_001384479.1(AGT):c.704T>G (p.Leu235Arg)

Gene: AGT (angiotensinogen; minus strand). Cytogenetic location: 1q42.2.
Variant type: single nucleotide variant.
Coding change: c.704T>G on transcript NM_001384479.1 (MANE Select); coding-DNA position 704, T replaced by G.
Protein change: p.Leu235Arg; replaces leucine 235 with arginine.
Molecular consequence: missense variant.
Genome position (GRCh38, 1-based): chr1:230,710,120, A>C on the plus strand (T>G on the coding strand, the complement: AGT is on the minus strand). VCF-style: chr1-230710120-A-C. GRCh37 (hg19) VCF-style: chr1-230845866-A-C.
Other names: NM_000029.4:c.731T>G; c.704T>G, p.Leu235Arg (NM_001382817.3); short protein forms L235R.
Identifiers: ClinVar variation 1049309 (VCV001049309.10), dbSNP rs5041, ClinGen allele CA1448243.

ClinVar aggregate classification (germline): Conflicting classifications of pathogenicity. Review status: criteria provided, conflicting classifications (1 of 4 stars). 3 submissions from 3 submitters: Uncertain significance (1); Likely benign (1). 1 of the submissions does not count toward it. Last evaluated 2025-10-26.

Allele frequency attached by ClinVar (database versions not stated): gnomAD 0.00095 and 0.00088; 1000 Genomes Project 0.00100; gnomAD exomes 0.00020; ExAC 0.00024; ESP Exome Variant Server 0.00069; 1000 Genomes Project 30x 0.00094; TOPMed 0.00105.
gnomAD v4.1: 255 of 1,614,166 alleles (0.016%); highest among the groups gnomAD compares: African/African-American, 0.29%; no homozygotes.

Submissions (3):

Labcorp Genetics (formerly Invitae), Labcorp
Classification: Likely benign. Last evaluated: 2025-10-26. Review status: criteria provided, single submitter. Criteria: Invitae Variant Classification Sherloc (09022015). Collection method: clinical testing. Allele origin: germline.

Revvity Omics, Revvity
Classification: Uncertain significance. Last evaluated: 2021-06-10. Review status: criteria provided, single submitter. Criteria: ACMG Guidelines, 2015. Collection method: clinical testing. Allele origin: germline.

Department of Pathology and Laboratory Medicine, Sinai Health System
Classification: Uncertain significance. Review status: no assertion criteria provided. Collection method: clinical testing. Allele origin: unknown. Affected: yes. Study: The Canadian Open Genetics Repository (COGR). Not counted in ClinVar's aggregate classification.
Comment: The AGT p.Leu244Arg variant was not identified in the literature nor was it identified in ClinVar or LOVD 3.0. The variant was identified in dbSNP (ID: rs5041) and in control databases in 82 of 282830 chromosomes at a frequency of 0.0002899 (Genome Aggregation Database March 6, 2019, v2.1.1). The variant was observed in the following populations: African in 74 of 24958 chromosomes (freq: 0.002965), Latino in 7 of 35438 chromosomes (freq: 0.000198) and Other in 1 of 7226 chromosomes (freq: 0.000138), but was not observed in the Ashkenazi Jewish, East Asian, European (Finnish), European (non-Finnish), or South Asian populations. The p.Leu244 residue is not conserved in mammals and computational analyses (PolyPhen-2, SIFT, AlignGVGD, BLOSUM, MutationTaster) provide inconsistent predictions regarding the impact to the protein; this information is not very predictive of pathogenicity. The variant occurs outside of the splicing consensus sequence and in silico or computational prediction software programs (SpliceSiteFinder, MaxEntScan, NNSPLICE, GeneSplicer) do not predict a difference in splicing. In summary, based on the above information the clinical significance of this variant cannot be determined with certainty at this time. This variant is classified as a variant of uncertain significance.